The following is an entry in ClinVar:

NM_022124.6(CDH23):c.8907C>T (p.Arg2969=)

Gene: CDH23 (cadherin related 23; plus strand). Cytogenetic location: 10q22.1.
Variant type: single nucleotide variant.
Coding change: c.8907C>T on transcript NM_022124.6 (MANE Select); coding-DNA position 8907, C replaced by T.
Protein change: p.Arg2969=; no amino-acid change (arginine 2969 retained).
Molecular consequence: synonymous variant.
Genome position (GRCh38, 1-based): chr10:71,810,004, C>T. VCF-style: chr10-71810004-C-T. GRCh37 (hg19) VCF-style: chr10-73569761-C-T.
Other names: c.2187C>T, p.Arg729= (NM_001171933.1, NM_001171934.1).
Identifiers: ClinVar variation 46059 (VCV000046059.24), dbSNP rs11000010, ClinGen allele CA137615.
Genomic context (GRCh38, chr10:71,810,004, plus strand): 5'-CATCCTGAGGGACGACCAGCGCGTCAAGATCGTCATTAACGAGATCCCCGACCGTGTGCG[C>T]GGCTTCGAGGAGGAGTTCATCCACCTGCTCTCCAACATCACTGGGGCCATTGTCAATACT-3'
Protein context (NP_071407.4, residues 2959-2979): IVINEIPDRV[Arg2969=]GFEEEFIHLL

ClinVar aggregate classification (germline): Benign. Review status: criteria provided, multiple submitters, no conflicts (2 of 4 stars). 8 submissions from 7 submitters: Benign (7). 1 of the submissions does not count toward it. Last evaluated 2026-02-04.

Conditions:
Usher syndrome type 1 (USH1). Also called: RETINITIS PIGMENTOSA AND CONGENITAL DEAFNESS. Identifiers: Orphanet 231169, Orphanet 886, MedGen C1568247, MONDO:0010168, OMIM 276900.
Usher syndrome type 1D (USH1D). Also called: USHER SYNDROME, TYPE ID. Identifiers: Orphanet 231169, Orphanet 886, MedGen C1832845, MONDO:0010984, OMIM 601067.
Autosomal recessive nonsyndromic hearing loss 12. Also called: DEAFNESS, AUTOSOMAL RECESSIVE 12. Identifiers: Orphanet 90636, MedGen C1832394, MONDO:0011067, OMIM 601386.

Allele frequency attached by ClinVar (database versions not stated): TOPMed 0.01044; ExAC 0.01466; gnomAD exomes 0.01647 and 0.00856; 1000 Genomes Project 30x 0.02311; 1000 Genomes Project 0.02416; ESP Exome Variant Server 0.00262; gnomAD 0.00740 and 0.00861.
gnomAD v4.1: 13,860 of 1,612,394 alleles (0.86%); highest among the groups gnomAD compares: East Asian, 11%; 404 homozygotes.

Submissions (8):

Labcorp Genetics (formerly Invitae), Labcorp
Classification: Benign. Last evaluated: 2026-02-04. Review status: criteria provided, single submitter. Criteria: Invitae Variant Classification Sherloc (09022015). Collection method: clinical testing. Allele origin: germline.

Illumina Laboratory Services, Illumina
Classification: Benign for Autosomal recessive nonsyndromic hearing loss 12. Last evaluated: 2017-04-27. Review status: criteria provided, single submitter. Criteria: ICSL Variant Classification Criteria 13 December 2019. Collection method: clinical testing. Allele origin: germline.
Comment: This variant was observed as part of a predisposition screen in an ostensibly healthy population. A literature search was performed for the gene, cDNA change, and amino acid change (where applicable). Publications were found based on this search. The evidence from the literature, in combination with allele frequency data from public databases where available, was sufficient to rule this variant out of causing disease. Therefore, this variant is classified as benign.

Illumina Laboratory Services, Illumina
Classification: Benign for Usher syndrome type 1D. Last evaluated: 2017-04-27. Review status: criteria provided, single submitter. Criteria: ICSL Variant Classification Criteria 13 December 2019. Collection method: clinical testing. Allele origin: germline.
Comment: This variant was observed as part of a predisposition screen in an ostensibly healthy population. A literature search was performed for the gene, cDNA change, and amino acid change (where applicable). No publications were found based on this search. Allele frequency data from public databases was too high to be consistent with this variant causing disease. Therefore, this variant is classified as benign.

GeneDx
Classification: Benign. Last evaluated: 2015-03-03. Review status: criteria provided, single submitter. Criteria: GeneDx Variant Classification Process June 2021. Collection method: clinical testing. Allele origin: germline. Affected: yes.

Eurofins Ntd Llc (ga)
Classification: Benign. Last evaluated: 2014-06-26. Review status: criteria provided, single submitter. Criteria: EGL Classification Definitions 2015. Collection method: clinical testing. Allele origin: germline. Observed: 2 variant alleles, 2 heterozygotes.

Laboratory for Molecular Medicine, Mass General Brigham Personalized Medicine
Classification: Benign. Last evaluated: 2009-06-12. Review status: criteria provided, single submitter. Criteria: LMM Criteria. Collection method: clinical testing. Allele origin: germline. Observed: 70 variant alleles.

Breakthrough Genomics
Classification: Benign. Review status: criteria provided, single submitter. Criteria: ACMG Guidelines, 2015. Collection method: not provided. Allele origin: germline. Inheritance: Autosomal recessive inheritance. Affected: yes.

Natera, Inc.
Classification: Benign for Usher syndrome type 1. Last evaluated: 2020-09-16. Review status: no assertion criteria provided. Collection method: clinical testing. Allele origin: germline. Not counted in ClinVar's aggregate classification.

Literature cited by the submitters: PubMed 12075507 (cited by Illumina Laboratory Services, Illumina and Laboratory for Molecular Medicine, Mass General Brigham Personalized Medicine); PubMed 17850630 (cited by Illumina Laboratory Services, Illumina and Laboratory for Molecular Medicine, Mass General Brigham Personalized Medicine); PubMed 18323324 (cited by Laboratory for Molecular Medicine, Mass General Brigham Personalized Medicine).